The following is an entry in ClinVar:

NM_014921.5(ADGRL1):c.3001A>C (p.Ser1001Arg)

Genes: ADGRL1 (adhesion G protein-coupled receptor L1; minus strand), ADGRL1-AS1 (ADGRL1 antisense RNA 1; plus strand). Cytogenetic location: 19p13.12.
Variant type: single nucleotide variant.
Coding change: c.3001A>C on transcript NM_014921.5 (MANE Select); coding-DNA position 3001, A replaced by C.
Protein change: p.Ser1001Arg; replaces serine 1001 with arginine.
Molecular consequence: missense variant.
Genome position (GRCh38, 1-based): chr19:14,156,690, T>G on the plus strand (A>C on the coding strand, the complement: ADGRL1 is on the minus strand). VCF-style: chr19-14156690-T-G. GRCh37 (hg19) VCF-style: chr19-14267502-T-G.
Other names: c.3016A>C, p.Ser1006Arg (NM_001008701.3); short protein forms S1001R, S1006R.
Identifiers: ClinVar variation 2692481 (VCV002692481.1), dbSNP rs2512792398, ClinGen allele CA404396580.

ClinVar aggregate classification (germline): Uncertain significance (1 of 4 stars; one submission).

Submission:

Greenwood Genetic Center Diagnostic Laboratories, Greenwood Genetic Center
Classification: Uncertain significance. Last evaluated: 2023-12-01. Review status: criteria provided, single submitter. Criteria: ACMG Guidelines, 2015. Collection method: clinical testing. Allele origin: germline. Affected: yes.
Comment: PM2, PP3